The following is an entry in ClinVar:

NM_000369.5(TSHR):c.1462T>C (p.Trp488Arg)

Genes: TSHR (thyroid stimulating hormone receptor; plus strand), TSHR-AS1 (TSHR antisense RNA 1; minus strand). Cytogenetic location: 14q31.1.
Variant type: single nucleotide variant.
Coding change: c.1462T>C on transcript NM_000369.5 (MANE Select); coding-DNA position 1462, T replaced by C.
Protein change: p.Trp488Arg; replaces tryptophan 488 with arginine.
Molecular consequence: missense variant.
Genome position (GRCh38, 1-based): chr14:81,143,520, T>C. VCF-style: chr14-81143520-T-C. GRCh37 (hg19) VCF-style: chr14-81609864-T-C.
Other names: c.1462T>C (NM_000369.2); short protein forms W488R.
Identifiers: ClinVar variation 1050267 (VCV001050267.5), dbSNP rs2140111252, ClinGen allele CA390727949.

ClinVar aggregate classification (germline): Likely pathogenic. Review status: criteria provided, multiple submitters, no conflicts (2 of 4 stars). 3 submissions from 3 submitters: Likely pathogenic (2). 1 of the submissions does not count toward it. Last evaluated 2025-05-02.

Conditions:
Hypothyroidism due to TSH receptor mutations. Also called: Hypothyroidism, congenital, nongoitrous, 1; HYPOTHYROIDISM DUE TO UNRESPONSIVENESS TO THYROTROPIN; HYPOTHYROIDISM, CONGENITAL, DUE TO TSH RESISTANCE; HYPOTHYROIDISM, NONAUTOIMMUNE; THYROID-STIMULATING HORMONE, RESISTANCE TO; TSH RESISTANCE. Identifiers: Orphanet 90673, MedGen C3493776, MONDO:0010142, OMIM 275200.

gnomAD v4.1: 1 of 1,613,736 alleles (0.000062%); highest among the groups gnomAD compares: Non-Finnish European, 0.000085%; no homozygotes.

Submissions (3):

GeneDx
Classification: Likely pathogenic. Last evaluated: 2025-05-02. Review status: criteria provided, single submitter. Criteria: GeneDx Variant Classification Process June 2021. Collection method: clinical testing. Allele origin: germline.
Comment: Identified in association with TSHR-related subclinical hypothyroidism in patients referred for genetic testing at GeneDx and in the published literature (PMID: 16060907); Published functional studies demonstrate a damaging effect: reduced expression of cell surface receptors, absent cAMP production in response to bTSH stimulation, and absent TSH binding (PMID: 17705697, 18727713); Not observed at significant frequency in large population cohorts (gnomAD); In silico analysis supports that this missense variant has a deleterious effect on protein structure/function; This variant is associated with the following publications: (PMID: 28561265, 21835055, 23645907, 20515734, 19176466, 23154162, 16616374, 19417038, 20083154, 17705697, 18727713, 16060907)

Women's Health and Genetics/Laboratory Corporation of America, LabCorp
Classification: Likely pathogenic for Hypothyroidism due to TSH receptor mutations. Last evaluated: 2025-04-21. Review status: criteria provided, single submitter. Criteria: LabCorp Variant Classification Summary - May 2015. Collection method: clinical testing. Allele origin: germline.
Comment: Variant summary: TSHR c.1462T>C (p.Trp488Arg) results in a non-conservative amino acid change in the encoded protein sequence. Five of five in-silico tools predict a damaging effect of the variant on protein function. The variant was absent in 251044 control chromosomes. c.1462T>C has been observed in the heterozygous state in an individual with subclinical hypothyroidism whose father carried the variant and was similarly affected, although no second variant was identified in these individuals (e.g. Camilot_2005, Rapa_2009, De Marco_2009). These report(s) do not provide unequivocal conclusions about association of the variant with Hypothyroidism Due To TSH Receptor Mutations. At least two publications report experimental evidence evaluating an impact on protein function. The variant was found to result in decreased cell surface expression in comparison to the WT protein (Agretti_2007) and severely impaired cAMP production in response to bTSH stimulation (De Marco_2009). The following publications have been ascertained in the context of this evaluation (PMID: 16060907, 19417038, 17705697, 18727713). ClinVar contains an entry for this variant (Variation ID: 1050267). To our knowledge, this variant has not been reported in individuals with Familial Hyperthyroidism. Based on the evidence outlined above, the variant was classified as likely pathogenic for Hypothyroidism Due To TSH Receptor Mutations.

Department of Pathology and Laboratory Medicine, Sinai Health System
Classification: Uncertain significance. Review status: no assertion criteria provided. Collection method: clinical testing. Allele origin: unknown. Affected: yes. Study: The Canadian Open Genetics Repository (COGR). Not counted in ClinVar's aggregate classification.
Comment: The TSHR p.Trp488Arg variant was identified in two heterozygous children with subclinical hypothyroidism (Camilot_2005_PMID:16060907; De Marca_2009_PMID:18727713; Rapa_2009_PMID:19417038). The father of one of these children also carried the variant and had elevated serum TSH (De Marca_2009_PMID:18727713). TSHR is a GPCR that increases cAMP production following TSH binding/activation. Functional analysis in COS-7 cells demonstrates that this variant may cause low localization of the protein to the cell surface (De Marca_2009_PMID:18727713). The variant was not identified in dbSNP, ClinVar, Clinvitae, Cosmic, LOVD 3.0 or in the following control databases: the 1000 Genomes Project, the NHLBI GO Exome Sequencing Project, or the Genome Aggregation Database (March 6, 2019, v2.1.1). The p.Trp488 residue is conserved across mammals and other organisms, and four out of five computational analyses (PolyPhen-2, SIFT, AlignGVGD, BLOSUM, MutationTaster) suggest that the variant may impact the protein; however, this information is not predictive enough to assume pathogenicity. The variant occurs outside of the splicing consensus sequence and in silico or computational prediction software programs (SpliceSiteFinder, MaxEntScan, NNSPLICE, GeneSplicer) do not predict a difference in splicing. In summary, based on the above information the clinical significance of this variant cannot be determined with certainty at this time. This variant is classified as a variant of uncertain significance.

Literature cited by the submitters: PubMed 16060907 (cited by Women's Health and Genetics/Laboratory Corporation of America, LabCorp); PubMed 18727713 (cited by Women's Health and Genetics/Laboratory Corporation of America, LabCorp); PubMed 19417038 (cited by Women's Health and Genetics/Laboratory Corporation of America, LabCorp); PubMed 17705697 (cited by Women's Health and Genetics/Laboratory Corporation of America, LabCorp).